The following is an entry in ClinVar:

ClinVar aggregate classification (germline): Conflicting classifications of pathogenicity. Review status: criteria provided, conflicting classifications (1 of 4 stars). 5 submissions from 5 submitters: Pathogenic (1); Likely pathogenic (2); Uncertain significance (1). 1 of the submissions does not count toward it. Last evaluated 2024-02-24.

Conditions:
Inborn genetic diseases. Identifiers: MedGen C0950123, MeSH D030342.
Charcot-Marie-Tooth disease. Also called: Charcot-Marie-Tooth Hereditary Neuropathy; Charcot-Marie-Tooth Neuropathy. Identifiers: Orphanet 166, MedGen C0007959, MONDO:0015626.
Charcot-Marie-Tooth Neuropathy X. Identifiers: MedGen CN118851.
Charcot-Marie-Tooth disease X-linked dominant 1. Also called: CHARCOT-MARIE-TOOTH NEUROPATHY, X-LINKED, 1; CHARCOT-MARIE-TOOTH PERONEAL MUSCULAR ATROPHY, X-LINKED; GJB1 Disorders: Charcot-Marie-Tooth Neuropathy (CMT1X) and Central Nervous System Phenotypes; HEREDITARY MOTOR AND SENSORY NEUROPATHY, X-LINKED; HMSN, X-LINKED; Charcot-Marie-Tooth Neuropathy X Type 1. Identifiers: Orphanet 101075, MedGen C0393808, MONDO:0010549, OMIM 302800.

Allele frequency attached by ClinVar (database versions not stated): ExAC 0.00001; gnomAD exomes 0.00001.

Submissions (5):

Labcorp Genetics (formerly Invitae), Labcorp
Classification: Pathogenic for Charcot-Marie-Tooth Neuropathy X. Last evaluated: 2024-02-24. Review status: criteria provided, single submitter. Criteria: Invitae Variant Classification Sherloc (09022015). Collection method: clinical testing. Allele origin: germline.
Comment: This sequence change replaces isoleucine, which is neutral and non-polar, with asparagine, which is neutral and polar, at codon 28 of the GJB1 protein (p.Ile28Asn). This variant is present in population databases (rs768834663, gnomAD 0.001%), including at least one homozygous and/or hemizygous individual. This missense change has been observed in individuals with Charcot-Marie-Tooth disease type 1X (PMID: 9361298; Invitae). ClinVar contains an entry for this variant (Variation ID: 215983). Advanced modeling of protein sequence and biophysical properties (such as structural, functional, and spatial information, amino acid conservation, physicochemical variation, residue mobility, and thermodynamic stability) performed at Invitae indicates that this missense variant is not expected to disrupt GJB1 protein function with a negative predictive value of 80%. This missense change is located in a region of the GJB1 protein in which a significant number of missense variants have been reported (PMID: 21309765). These observations suggest that this may be a clinically significant region of the protein. For these reasons, this variant has been classified as Pathogenic.

Ambry Genetics
Classification: Uncertain significance for Inborn genetic diseases. Last evaluated: 2020-03-26. Review status: criteria provided, single submitter. Criteria: Ambry Variant Classification Scheme 2023. Collection method: clinical testing. Allele origin: germline.
Comment: The p.I28N variant (also known as c.83T>A), located in coding exon 1 of the GJB1 gene, results from a T to A substitution at nucleotide position 83. The isoleucine at codon 28 is replaced by asparagine, an amino acid with dissimilar properties. This alteration was detected in a cohort of patients with Charcot&ndash;Marie&ndash;Tooth disease (Bone LJ et al. Neurobiol. Dis., 1997;4:221-30). Based on data from gnomAD, the A allele has an overall frequency of 0.0005% (1/183,311) total alleles studied, with 1 hemizygote observed. The highest observed frequency was 0.001% (1/81,818) of European (non-Finnish) alleles. This amino acid position is not well conserved in available vertebrate species. In addition, this alteration is predicted to be deleterious by in silico analysis. Since supporting evidence is limited at this time, the clinical significance of this alteration remains unclear.

ARUP Laboratories, Molecular Genetics and Genomics, ARUP Laboratories
Classification: Likely pathogenic for Charcot-Marie-Tooth disease X-linked dominant 1. Last evaluated: 2019-02-15. Review status: criteria provided, single submitter. Criteria: ARUP Molecular Germline Variant Investigation Process. Collection method: clinical testing. Allele origin: germline.
Comment: The GJB1 p.Ile28Asn variant (rs768834663) was reported in a cohort of patients with CMT from Athena diagnostics (Bone, 1997). Among the 130 variants reported in this cohort, several affecting the same codon (c.83T>C; p.Ile28T) or nearby residues (p.Ser26Leu, p.Val27Ala and p.Ile30Asn) were observed in affected patients. This variant is listed in the Genome Aggregation Database (gnomAD) with an overall population frequency of 0.0005 percent (identified on 1 out of 183,311 chromosomes), and reported to ClinVar as a pathogenic variant (Variation ID: 215983). The isoleucine at position 28 is highly conserved across the vertebrates and located in a transmembrane domain. Computational analyses of the p.Ile28Asn variant on protein structure and function indicates a deleterious effect (SIFT: damaging, PolyPhen-2: probably damaging). Based on these observations, the p.Ile28Asn variant is likely to be pathogenic. References: Bone et al. Connexin32 and X-linked Charcot-Marie-Tooth disease. Neurobiol Dis. 1997;4(3-4):221-30.

Molecular Genetics Laboratory, London Health Sciences Centre
Classification: Likely pathogenic for Charcot-Marie-Tooth disease. Review status: criteria provided, single submitter. Criteria: ACMG Guidelines, 2015. Collection method: clinical testing. Allele origin: germline. Affected: yes.

Inherited Neuropathy Consortium
Classification: Uncertain significance for Charcot-Marie-Tooth disease. Review status: no assertion criteria provided. Collection method: literature only. Allele origin: germline. Affected: yes. Not counted in ClinVar's aggregate classification.

Literature cited by the submitters: PubMed 9361298 (cited by 3 submitters); PubMed 21309765 (cited by Labcorp Genetics (formerly Invitae), Labcorp).

NM_000166.6(GJB1):c.83T>A (p.Ile28Asn)

Gene: GJB1 (gap junction protein beta 1; plus strand). Cytogenetic location: Xq13.1.
Variant type: single nucleotide variant.
Coding change: c.83T>A on transcript NM_000166.6 (MANE Select); coding-DNA position 83, T replaced by A.
Protein change: p.Ile28Asn; replaces isoleucine 28 with asparagine.
Molecular consequence: missense variant.
Genome position (GRCh38, 1-based): chrX:71,223,790, T>A. VCF-style: chrX-71223790-T-A. GRCh37 (hg19) VCF-style: chrX-70443640-T-A.
Other names: c.83T>A, p.Ile28Asn (NM_001097642.3); short protein forms I28N.
Identifiers: ClinVar variation 215983 (VCV000215983.19), dbSNP rs768834663, ClinGen allele CA337772.